The following is an entry in ClinVar:

ClinVar aggregate classification (germline): Uncertain significance (1 of 4 stars; one submission).

gnomAD v4.1: 1 of 1,613,386 alleles (0.000062%); highest among the groups gnomAD compares: Non-Finnish European, 0.000085%; no homozygotes.

Submission:

Ambry Genetics
Classification: Uncertain significance. Last evaluated: 2025-08-29. Review status: criteria provided, single submitter. Criteria: Ambry Variant Classification Scheme 2023. Collection method: clinical testing. Allele origin: germline.
Comment: The p.G592R variant (also known as c.1774G>C), located in coding exon 13 of the GEN1 gene, results from a G to C substitution at nucleotide position 1774. The glycine at codon 592 is replaced by arginine, an amino acid with dissimilar properties. This amino acid position is conserved. In addition, this alteration is predicted to be tolerated by in silico analysis. Based on the available evidence, the clinical significance of this variant remains unclear.

NM_001130009.3(GEN1):c.1774G>C (p.Gly592Arg)

Gene: GEN1 (GEN1 Holliday junction 5' flap endonuclease; plus strand). Cytogenetic location: 2p24.2.
Variant type: single nucleotide variant.
Coding change: c.1774G>C on transcript NM_001130009.3 (MANE Select); coding-DNA position 1774, G replaced by C.
Protein change: p.Gly592Arg; replaces glycine 592 with arginine.
Molecular consequence: missense variant.
Genome position (GRCh38, 1-based): chr2:17,780,986, G>C. VCF-style: chr2-17780986-G-C. GRCh37 (hg19) VCF-style: chr2-17962253-G-C.
Other names: c.1774G>C, p.Gly592Arg (NM_182625.5); short protein forms G592R.
Identifiers: ClinVar variation 4263102 (VCV004263102.1).